The following is an entry in ClinVar:

ClinVar aggregate classification (germline): Uncertain significance (1 of 4 stars; one submission).

Conditions:
Short-rib thoracic dysplasia 14 with polydactyly (SRTD14). Identifiers: Orphanet 397715, MedGen C4225286, MONDO:0014688, OMIM 616546.
Joubert syndrome 23 (JBTS23). Identifiers: Orphanet 475, MedGen C4084822, MONDO:0014664, OMIM 616490.

gnomAD v4.1: 21 of 1,606,258 alleles (0.0013%); highest among the groups gnomAD compares: Non-Finnish European, 0.0018%; no homozygotes.

Submission:

Labcorp Genetics (formerly Invitae), Labcorp
Classification: Uncertain significance for Joubert syndrome 23; Short-rib thoracic dysplasia 14 with polydactyly. Last evaluated: 2021-04-06. Review status: criteria provided, single submitter. Criteria: Invitae Variant Classification Sherloc (09022015). Collection method: clinical testing. Allele origin: germline.
Comment: In summary, the available evidence is currently insufficient to determine the role of this variant in disease. Therefore, it has been classified as a Variant of Uncertain Significance. Algorithms developed to predict the effect of missense changes on protein structure and function are either unavailable or do not agree on the potential impact of this missense change (SIFT: "Deleterious"; PolyPhen-2: "Possibly Damaging"; Align-GVGD: "Class C0"). This variant has not been reported in the literature in individuals with KIAA0586-related conditions. This variant is not present in population databases (ExAC no frequency). This sequence change replaces aspartic acid with valine at codon 381 of the KIAA0586 protein (p.Asp381Val). The aspartic acid residue is moderately conserved and there is a large physicochemical difference between aspartic acid and valine.

NM_001329943.3(KIAA0586):c.983A>T (p.Asp328Val)

Gene: KIAA0586 (KIAA0586; plus strand). Cytogenetic location: 14q23.1.
Variant type: single nucleotide variant.
Coding change: c.983A>T on transcript NM_001329943.3 (MANE Select); coding-DNA position 983, A replaced by T.
Protein change: p.Asp328Val; replaces aspartic acid 328 with valine.
Molecular consequence: missense variant.
Genome position (GRCh38, 1-based): chr14:58,450,600, A>T. VCF-style: chr14-58450600-A-T. GRCh37 (hg19) VCF-style: chr14-58917318-A-T.
Other names: c.983A>T, p.Asp328Val (NM_001329946.2, NM_001329947.2, NM_014749.5 and 1 more transcripts); c.728A>T, p.Asp243Val (NM_001364700.1, NM_001364701.2, NM_001244191.2 and 1 more transcripts); c.1142A>T, p.Asp381Val (NM_001244189.2); c.938A>T, p.Asp313Val (NM_001244190.2); c.851A>T, p.Asp284Val (NM_001244192.2); c.563A>T, p.Asp188Val (NM_001244193.2); short protein forms D243V, D188V, D284V, D381V, D313V, D328V.
Identifiers: ClinVar variation 1369123 (VCV001369123.8), dbSNP rs780810159, ClinGen allele CA261617829.